The following is an entry in ClinVar:

ClinVar aggregate classification (germline): Likely benign (0 of 4 stars; one submission).

Conditions:
MYCN-related disorder. Also called: MYCN-related condition.

Allele frequency attached by ClinVar (database versions not stated): TOPMed 0.00003; gnomAD 0.00008.
gnomAD v4.1: 14 of 1,182,998 alleles (0.0012%); highest among the groups gnomAD compares: African/African-American, 0.023%; no homozygotes.

Submission:

PreventionGenetics, part of Exact Sciences
Classification: Likely benign for MYCN-related condition. Last evaluated: 2022-11-10. Review status: no assertion criteria provided. Collection method: clinical testing. Allele origin: germline.
Comment: This variant is classified as likely benign based on ACMG/AMP sequence variant interpretation guidelines (Richards et al. 2015 PMID: 25741868, with internal and published modifications).

NM_005378.6(MYCN):c.489C>A (p.Gly163=)

Gene: MYCN (MYCN proto-oncogene, bHLH transcription factor; plus strand). Cytogenetic location: 2p24.3.
Variant type: single nucleotide variant.
Coding change: c.489C>A on transcript NM_005378.6 (MANE Select); coding-DNA position 489, C replaced by A.
Protein change: p.Gly163=; no amino-acid change (glycine 163 retained).
Molecular consequence: synonymous variant. On other transcripts: 3 prime UTR variant (1), intron variant (1).
Genome position (GRCh38, 1-based): chr2:15,942,553, C>A. VCF-style: chr2-15942553-C-A. GRCh37 (hg19) VCF-style: chr2-16082675-C-A.
Other names: c.489C>A, p.Gly163= (NM_001293228.2); c.*424C>A (NM_001293233.2); c.157+1810C>A (NM_001293231.2).
Identifiers: ClinVar variation 3048513 (VCV003048513.2), dbSNP rs987411324, ClinGen allele CA43192122.